The following is an entry in ClinVar:

ClinVar aggregate classification (germline): Benign (1 of 4 stars; one submission).

Allele frequency attached by ClinVar (database versions not stated): ExAC 0.49313.

Submission:

Laboratory for Molecular Medicine, Mass General Brigham Personalized Medicine
Classification: Benign. Last evaluated: 2016-03-28. Review status: criteria provided, single submitter. Criteria: LMM Criteria. Collection method: clinical testing. Allele origin: germline.
Comment: Variant identified in a genome or exome case(s) and assessed due to predicted null impact of the variant or pathogenic assertions in the literature or databases. Disclaimer: This variant has not undergone full assessment. The following are preliminary notes: Frequency

NM_001080998.2(FRG2B):c.31C>T (p.His11Tyr)

Gene: FRG2B (FSHD region gene 2 family member B; minus strand). Cytogenetic location: 10q26.3.
Variant type: single nucleotide variant.
Coding change: c.31C>T on transcript NM_001080998.2 (MANE Select); coding-DNA position 31, C replaced by T.
Protein change: p.His11Tyr; replaces histidine 11 with tyrosine.
Molecular consequence: missense variant.
Genome position (GRCh38, 1-based): chr10:133,626,712, G>A on the plus strand (C>T on the coding strand, the complement: FRG2B is on the minus strand). VCF-style: chr10-133626712-G-A. GRCh37 (hg19) VCF-style: chr10-135440216-G-A.
Other names: short protein forms H11Y.
Identifiers: ClinVar variation 402881 (VCV000402881.4), dbSNP rs79777505, ClinGen allele CA5768715.
Genomic context (GRCh38, chr10:133,626,712, plus strand): 5'-CTGTAAAGGAGATCTGTTGGAAAGGGGGCTGGTCAGTGGAGCACTGGATGGAGGAGCAGT[G>A]GAGATCGGGGTCTTCATTTCCCTTTCCCATGTTGAAGCTCAAGTGAAAGGTGCGCTCTCT-3'
Protein context (NP_001074467.1, residues 1-21): MGKGNEDPDL[His11Tyr]CSSIQCSTDQ